The following is an entry in ClinVar:

ClinVar aggregate classification (germline): Uncertain significance (1 of 4 stars; one submission).

Conditions:
Cardiovascular phenotype. Identifiers: MedGen CN230736.

Submission:

Ambry Genetics
Classification: Uncertain significance for Cardiovascular phenotype. Last evaluated: 2024-11-01. Review status: criteria provided, single submitter. Criteria: Ambry Variant Classification Scheme 2023. Collection method: clinical testing. Allele origin: germline.
Comment: The p.I281L variant (also known as c.841A>C), located in coding exon 7 of the RAF1 gene, results from an A to C substitution at nucleotide position 841. The isoleucine at codon 281 is replaced by leucine, an amino acid with highly similar properties. This amino acid position is conserved. In addition, this alteration is predicted to be tolerated by in silico analysis. Based on the available evidence, the clinical significance of this variant remains unclear.

NM_002880.4(RAF1):c.841A>C (p.Ile281Leu)

Gene: RAF1 (Raf-1 proto-oncogene, serine/threonine kinase; minus strand). Cytogenetic location: 3p25.2.
Variant type: single nucleotide variant.
Coding change: c.841A>C on transcript NM_002880.4 (MANE Select); coding-DNA position 841, A replaced by C.
Protein change: p.Ile281Leu; replaces isoleucine 281 with leucine.
Molecular consequence: missense variant. On other transcripts: non-coding transcript variant (3).
Genome position (GRCh38, 1-based): chr3:12,600,409, T>G on the plus strand (A>C on the coding strand, the complement: RAF1 is on the minus strand). VCF-style: chr3-12600409-T-G. GRCh37 (hg19) VCF-style: chr3-12641908-T-G.
Other names: c.901A>C, p.Ile301Leu (NM_001354689.3); c.841A>C, p.Ile281Leu (NM_001354690.3); c.598A>C, p.Ile200Leu (NM_001354691.3, NM_001354692.3); c.742A>C, p.Ile248Leu (NM_001354693.3); c.658A>C, p.Ile220Leu (NM_001354694.3); c.499A>C, p.Ile167Leu (NM_001354695.3); short protein forms I301L, I248L, I167L, I220L, I200L, I281L.
Identifiers: ClinVar variation 3429946 (VCV003429946.1).